The following is an entry in ClinVar:

NM_005475.3(SH2B3):c.1102C>A (p.Pro368Thr)

Gene: SH2B3 (SH2B adaptor protein 3; plus strand). Cytogenetic location: 12q24.12.
Variant type: single nucleotide variant.
Coding change: c.1102C>A on transcript NM_005475.3 (MANE Select); coding-DNA position 1102, C replaced by A.
Protein change: p.Pro368Thr; replaces proline 368 with threonine.
Molecular consequence: missense variant.
Genome position (GRCh38, 1-based): chr12:111,447,410, C>A. VCF-style: chr12-111447410-C-A. GRCh37 (hg19) VCF-style: chr12-111885214-C-A.
Other names: c.496C>A, p.Pro166Thr (NM_001291424.1); short protein forms P166T, P368T.
Identifiers: ClinVar variation 4842817 (VCV004842817.1).
Genomic context (GRCh38, chr12:111,447,410, plus strand): 5'-CTGGACCCGGCCTGCCAGAAGACGGACCATTTCCTGTCCTGCTACCCCTGGTTCCACGGC[C>A]CCATCTCCAGAGTGAAAGCAGCTCAGCTGGTTCAGCTGCAGGGCCCTGATGCTCATGGAG-3'
Protein context (NP_005466.1, residues 358-378): FLSCYPWFHG[Pro368Thr]ISRVKAAQLV

ClinVar aggregate classification (germline): Uncertain significance (1 of 4 stars; one submission).

Conditions:
Inborn genetic diseases. Identifiers: MedGen C0950123, MeSH D030342.

gnomAD v4.1: 2 of 1,614,054 alleles (0.00012%); highest among the groups gnomAD compares: Non-Finnish European, 0.00017%; no homozygotes.

Submission:

Ambry Genetics
Classification: Uncertain significance for Inborn genetic diseases. Last evaluated: 2025-12-21. Review status: criteria provided, single submitter. Criteria: Ambry Variant Classification Scheme 2023. Collection method: clinical testing. Allele origin: germline.
Comment: The p.P368T variant (also known as c.1102C>A), located in coding exon 5 of the SH2B3 gene, results from a C to A substitution at nucleotide position 1102. The proline at codon 368 is replaced by threonine, an amino acid with highly similar properties. This amino acid position is conserved. In addition, this alteration is predicted to be tolerated by in silico analysis. Based on the available evidence, the clinical significance of this variant remains unclear.